The following is an entry in ClinVar:

ClinVar aggregate classification (germline): Uncertain significance (1 of 4 stars; one submission).

Submission:

Labcorp Genetics (formerly Invitae), Labcorp
Classification: Uncertain significance. Last evaluated: 2023-06-19. Review status: criteria provided, single submitter. Criteria: Invitae Variant Classification Sherloc (09022015). Collection method: clinical testing. Allele origin: germline.
Comment: In summary, the available evidence is currently insufficient to determine the role of this variant in disease. Therefore, it has been classified as a Variant of Uncertain Significance. Advanced modeling of protein sequence and biophysical properties (such as structural, functional, and spatial information, amino acid conservation, physicochemical variation, residue mobility, and thermodynamic stability) performed at Invitae indicates that this missense variant is expected to disrupt MATN3 protein function. This variant has not been reported in the literature in individuals affected with MATN3-related conditions. This variant is not present in population databases (gnomAD no frequency). This sequence change replaces cysteine, which is neutral and slightly polar, with phenylalanine, which is neutral and non-polar, at codon 77 of the MATN3 protein (p.Cys77Phe).

NM_002381.5(MATN3):c.230G>T (p.Cys77Phe)

Gene: MATN3 (matrilin 3; minus strand). Cytogenetic location: 2p24.1.
Variant type: single nucleotide variant.
Coding change: c.230G>T on transcript NM_002381.5 (MANE Select); coding-DNA position 230, G replaced by T.
Protein change: p.Cys77Phe; replaces cysteine 77 with phenylalanine.
Molecular consequence: missense variant.
Genome position (GRCh38, 1-based): chr2:20,006,304, C>A on the plus strand (G>T on the coding strand, the complement: MATN3 is on the minus strand). VCF-style: chr2-20006304-C-A. GRCh37 (hg19) VCF-style: chr2-20206065-C-A.
Other names: short protein forms C77F.
Identifiers: ClinVar variation 2710376 (VCV002710376.3), dbSNP rs762137848, ClinGen allele CA345951527.